The following is an entry in ClinVar:

ClinVar aggregate classification (germline): Uncertain significance (1 of 4 stars; one submission).

Conditions:
Hereditary cancer-predisposing syndrome. Also called: Hereditary Cancer Syndrome; Hereditary neoplastic syndrome; Neoplastic Syndromes, Hereditary; Tumor predisposition. Identifiers: Orphanet 140162, MedGen C0027672, MeSH D009386, MONDO:0015356.

Submission:

Ambry Genetics
Classification: Uncertain significance for Hereditary cancer-predisposing syndrome. Last evaluated: 2025-08-24. Review status: criteria provided, single submitter. Criteria: Ambry Variant Classification Scheme 2023. Collection method: clinical testing. Allele origin: germline.
Comment: The p.Q1228H variant (also known as c.3684G>T), located in coding exon 20 of the DICER1 gene, results from a G to T substitution at nucleotide position 3684. The glutamine at codon 1228 is replaced by histidine, an amino acid with highly similar properties. This amino acid position is conserved. In addition, the in silico prediction for this alteration is inconclusive. Based on the available evidence, the clinical significance of this variant remains unclear.

NM_177438.3(DICER1):c.3684G>T (p.Gln1228His)

Gene: DICER1 (dicer 1, ribonuclease III; minus strand). Cytogenetic location: 14q32.13.
Variant type: single nucleotide variant.
Coding change: c.3684G>T on transcript NM_177438.3 (MANE Select); coding-DNA position 3684, G replaced by T.
Protein change: p.Gln1228His; replaces glutamine 1228 with histidine.
Molecular consequence: missense variant. On other transcripts: non-coding transcript variant (6).
Genome position (GRCh38, 1-based): chr14:95,103,712, C>A on the plus strand (G>T on the coding strand, the complement: DICER1 is on the minus strand). VCF-style: chr14-95103712-C-A. GRCh37 (hg19) VCF-style: chr14-95570049-C-A.
Other names: c.3684G>T, p.Gln1228His (NM_001395678.1, NM_001395679.1, NM_001395680.1 and 12 more transcripts); c.3402G>T, p.Gln1134His (NM_001395686.1); c.3279G>T, p.Gln1093His (NM_001395687.1, NM_001395688.1, NM_001395689.1 and 2 more transcripts); c.3117G>T, p.Gln1039His (NM_001395691.1); c.2001G>T, p.Gln667His (NM_001395697.1); short protein forms Q1093H, Q1039H, Q667H, Q1228H, Q1134H.
Identifiers: ClinVar variation 4240472 (VCV004240472.1).